The following is an entry in ClinVar:

NM_014140.4(SMARCAL1):c.1681C>T (p.Arg561Cys)

Gene: SMARCAL1 (SNF2 related chromatin remodeling annealing helicase 1; plus strand). Cytogenetic location: 2q35.
Variant type: single nucleotide variant.
Coding change: c.1681C>T on transcript NM_014140.4 (MANE Select); coding-DNA position 1681, C replaced by T.
Protein change: p.Arg561Cys; replaces arginine 561 with cysteine.
Molecular consequence: missense variant.
Genome position (GRCh38, 1-based): chr2:216,438,456, C>T. VCF-style: chr2-216438456-C-T. GRCh37 (hg19) VCF-style: chr2-217303179-C-T.
Other names: c.1681C>T, p.Arg561Cys (NM_001127207.2); short protein forms R561C.
Identifiers: ClinVar variation 4815595 (VCV004815595.1).
Genomic context (GRCh38, chr2:216,438,456, plus strand): 5'-ACTTATGTGGCTACTTCTTTTCAGGATGAATCTCACTTCCTCAAAAACAGTAGGACTGCC[C>T]GCTGTCGAGCAGCTATGCCGGTCCTAAAGGTGAGTACTTCTGAGAACTGAGCCCACTGAG-3'
Protein context (NP_054859.2, residues 551-571): SHFLKNSRTA[Arg561Cys]CRAAMPVLKV

ClinVar aggregate classification (germline): Likely pathogenic (1 of 4 stars; one submission).

Conditions:
Schimke immuno-osseous dysplasia (SIOD). Also called: Schimke Immunoosseous Dysplasia. Identifiers: Orphanet 1830, MedGen C0877024, MONDO:0009458, OMIM 242900.

gnomAD v4.1: 4 of 1,614,030 alleles (0.00025%); highest among the groups gnomAD compares: South Asian, 0.0022%; no homozygotes.

Submission:

Natera, Inc.
Classification: Likely pathogenic for Schimke immuno-osseous dysplasia. Last evaluated: 2025-09-16. Review status: criteria provided, single submitter. Criteria: Natera Variant Classification Schema (03/2026). Collection method: clinical testing. Allele origin: germline.
Comment: The c.1681C>T variant in SMARCAL1 is a missense variant predicted to cause substitution of arginine to cysteine at amino acid 561. This variant is rare in the general population with a frequency below the threshold expected for the associated phenotype(s). This variant has been observed in one or more individuals affected with the associated recessive disease, as either homozygous or compound heterozygous with a second variant (PMID: 16237566, 28796785, 26499378). This variant has been observed to segregate in affected family members (PMID: 26499378). This variant has been identified in one or more affected individual with a phenotype highly consistent with the associated gene (PMID: 16237566). Computational prediction algorithms indicate this variant is likely to affect gene or protein function. Given the available evidence, this variant is classified as Likely Pathogenic.

Literature cited by the submitters: PubMed 16237566; PubMed 28796785; PubMed 26499378.